The following is an entry in ClinVar:

NM_021973.3(HAND2):c.64G>A (p.Ala22Thr)

Genes: HAND2 (heart and neural crest derivatives expressed 2; minus strand), HAND2-AS1 (HAND2 antisense RNA 1; plus strand). Cytogenetic location: 4q34.1.
Variant type: single nucleotide variant.
Coding change: c.64G>A on transcript NM_021973.3 (MANE Select); coding-DNA position 64, G replaced by A.
Protein change: p.Ala22Thr; replaces alanine 22 with threonine.
Molecular consequence: missense variant.
Genome position (GRCh38, 1-based): chr4:173,529,226, C>T on the plus strand (G>A on the coding strand, the complement: HAND2 is on the minus strand). VCF-style: chr4-173529226-C-T. GRCh37 (hg19) VCF-style: chr4-174450377-C-T.
Other names: short protein forms A22T.
Identifiers: ClinVar variation 2980456 (VCV002980456.3), dbSNP rs867226231, ClinGen allele CA110739636.

ClinVar aggregate classification (germline): Uncertain significance (1 of 4 stars; one submission).

Submission:

Labcorp Genetics (formerly Invitae), Labcorp
Classification: Uncertain significance. Last evaluated: 2023-01-24. Review status: criteria provided, single submitter. Criteria: Invitae Variant Classification Sherloc (09022015). Collection method: clinical testing. Allele origin: germline.
Comment: In summary, the available evidence is currently insufficient to determine the role of this variant in disease. Therefore, it has been classified as a Variant of Uncertain Significance. Algorithms developed to predict the effect of missense changes on protein structure and function are either unavailable or do not agree on the potential impact of this missense change (SIFT: "Tolerated"; PolyPhen-2: "Possibly Damaging"; Align-GVGD: "Class C0"). This variant has not been reported in the literature in individuals affected with HAND2-related conditions. This variant is not present in population databases (gnomAD no frequency). This sequence change replaces alanine, which is neutral and non-polar, with threonine, which is neutral and polar, at codon 22 of the HAND2 protein (p.Ala22Thr).